The following is an entry in ClinVar:

NM_003031.4(SIAH1):c.529G>A (p.Asp177Asn)

Genes: LONP2 (lon peptidase 2, peroxisomal; plus strand), SIAH1 (siah E3 ubiquitin protein ligase 1; minus strand). Cytogenetic location: 16q12.1.
Variant type: single nucleotide variant.
Coding change: c.529G>A on transcript NM_003031.4 (MANE Select); coding-DNA position 529, G replaced by A.
Protein change: p.Asp177Asn; replaces aspartic acid 177 with asparagine.
Molecular consequence: missense variant. On other transcripts: 3 prime UTR variant (1).
Genome position (GRCh38, 1-based): chr16:48,361,900, C>T on the plus strand (G>A on the coding strand, the complement: SIAH1 is on the minus strand). VCF-style: chr16-48361900-C-T. GRCh37 (hg19) VCF-style: chr16-48395811-C-T.
Other names: c.622G>A, p.Asp208Asn (NM_001006610.2); c.*304C>T (NM_001348078.2); short protein forms D208N, D177N.
Identifiers: ClinVar variation 3954331 (VCV003954331.2).

ClinVar aggregate classification (germline): Uncertain significance (1 of 4 stars; one submission).

Conditions:
Inborn genetic diseases. Identifiers: MedGen C0950123, MeSH D030342.

Submission:

Ambry Genetics
Classification: Uncertain significance for Inborn genetic diseases. Last evaluated: 2025-07-30. Review status: criteria provided, single submitter. Criteria: Ambry Variant Classification Scheme 2023. Collection method: clinical testing. Allele origin: germline.
Comment: The c.622G>A (p.D208N) alteration is located in exon 2 (coding exon 2) of the SIAH1 gene. This alteration results from a G to A substitution at nucleotide position 622, causing the aspartic acid (D) at amino acid position 208 to be replaced by an asparagine (N). This variant was not reported in population-based cohorts in the Genome Aggregation Database (gnomAD). This amino acid position is highly conserved in available vertebrate species. This missense alteration is located in a region that has a low rate of benign missense variation (Lek, 2016; Firth, 2009). This alteration is predicted to be tolerated by in silico analysis. Based on insufficient or conflicting evidence, the clinical significance of this alteration remains unclear.